The following is an entry in ClinVar:

NM_005861.4(STUB1):c.116dup (p.Arg40fs)

Gene: STUB1 (STIP1 homology and U-box containing protein 1; plus strand). Cytogenetic location: 16p13.3.
Variant type: Duplication.
Coding change: c.116dup on transcript NM_005861.4 (MANE Select); coding-DNA position 116, one base duplicated (G; older notation c.116dupG).
Protein change: p.Arg40fs; shifts the reading frame from arginine 40.
Molecular consequence: frameshift variant. On other transcripts: 5 prime UTR variant (1).
Genome position (GRCh38, 1-based): chr16:680,641, G duplicated; the last of 3 consecutive G bases (chr16:680,639-680,641); duplicating any one gives the same sequence. VCF-style (leftmost placement, unchanged base first): chr16-680638-T-TG. GRCh37 (hg19) VCF-style: chr16-730638-T-TG.
Other names: c.-190dup (NM_001293197.2); short protein forms R40fs.
Identifiers: ClinVar variation 3731353 (VCV003731353.1).

ClinVar aggregate classification (germline): Uncertain significance (1 of 4 stars; one submission).

Conditions:
Autosomal recessive spinocerebellar ataxia 16. Identifiers: Orphanet 412057, MedGen C5190574, MONDO:0014339, OMIM 615768.

Submission:

Neuberg Centre For Genomic Medicine, NCGM
Classification: Uncertain significance for Autosomal recessive spinocerebellar ataxia 16. Last evaluated: 2023-06-22. Review status: criteria provided, single submitter. Criteria: ACMG Guidelines, 2015. Collection method: clinical testing. Allele origin: germline. Inheritance: Autosomal recessive inheritance. Affected: yes.
Comment: The frameshift c.116dup (p.Arg40ProfsTer72) variant in STUB1 gene has not been reported previously as a pathogenic variant nor as a benign variant, to our knowledge. The p.Arg40ProfsTer72 variant is absent in gnomAD exomes database. This variant has not been submitted to the ClinVar database. This variant causes a frameshift starting with codon Arginine 40, changes this amino acid to Proline residue, and creates a premature Stop codon at position 72 of the new reading frame, denoted p.Arg40ProfsTer72. This variant is predicted to cause loss of normal protein function through protein truncation. Loss of function variants have been previously reported to be disease causing. Loss of function variants till date have been mainly reported with autosomal dominant pattern of inheritance. There is one patient where a loss of function variant was reported in compound heterozygous state with a missense variant. Homozygous loss of function variants have not been reported in STUB1. Further splenomegaly, liver involvement and bronchopneumonia have not been reported previously with STUB1.Hence the variant has been classified as Uncertain Significance